The following is an entry in ClinVar:

ClinVar aggregate classification (germline): Uncertain significance (1 of 4 stars; one submission).

Allele frequency attached by ClinVar (database versions not stated): gnomAD exomes below 0.00001; TOPMed below 0.00001.
gnomAD v4.1: 1 of 1,597,438 alleles (0.000063%); highest among the groups gnomAD compares: African/African-American, 0.0014%; no homozygotes.

Submission:

Ambry Genetics
Classification: Uncertain significance. Last evaluated: 2023-03-06. Review status: criteria provided, single submitter. Criteria: Ambry Variant Classification Scheme 2023. Collection method: clinical testing. Allele origin: germline.
Comment: The p.K143M variant (also known as c.428A>T), located in coding exon 3 of the MNDA gene, results from an A to T substitution at nucleotide position 428. The lysine at codon 143 is replaced by methionine, an amino acid with similar properties. This amino acid position is conserved. In addition, this alteration is predicted to be tolerated by in silico analysis. Since supporting evidence is limited at this time, the clinical significance of this alteration remains unclear.

NM_002432.3(MNDA):c.428A>T (p.Lys143Met)

Gene: MNDA (myeloid cell nuclear differentiation antigen; plus strand). Cytogenetic location: 1q23.1.
Variant type: single nucleotide variant.
Coding change: c.428A>T on transcript NM_002432.3 (MANE Select); coding-DNA position 428, A replaced by T.
Protein change: p.Lys143Met; replaces lysine 143 with methionine.
Molecular consequence: missense variant.
Genome position (GRCh38, 1-based): chr1:158,843,980, A>T. VCF-style: chr1-158843980-A-T. GRCh37 (hg19) VCF-style: chr1-158813770-A-T.
Other names: short protein forms K143M.
Identifiers: ClinVar variation 2496891 (VCV002496891.2), dbSNP rs753550920, ClinGen allele CA1185592.